The following is an entry in ClinVar:

NM_004341.5(CAD):c.3868G>A (p.Gly1290Ser)

Gene: CAD (carbamoyl-phosphate synthetase 2, aspartate transcarbamylase, and dihydroorotase; plus strand). Cytogenetic location: 2p23.3.
Variant type: single nucleotide variant.
Coding change: c.3868G>A on transcript NM_004341.5 (MANE Select); coding-DNA position 3868, G replaced by A.
Protein change: p.Gly1290Ser; replaces glycine 1290 with serine.
Molecular consequence: missense variant.
Genome position (GRCh38, 1-based): chr2:27,235,326, G>A. VCF-style: chr2-27235326-G-A. GRCh37 (hg19) VCF-style: chr2-27458194-G-A.
Other names: c.3679G>A, p.Gly1227Ser (NM_001306079.2); c.3868G>A (NM_004341.4); short protein forms G1290S, G1227S.
Identifiers: ClinVar variation 1439171 (VCV001439171.4), dbSNP rs376049827, ClinGen allele CA1573388.

ClinVar aggregate classification (germline): Uncertain significance. Review status: criteria provided, single submitter (1 of 4 stars). 2 submissions from 2 submitters: Uncertain significance (1). 1 of the submissions does not count toward it. Last evaluated 2022-07-10.

Conditions:
CAD-related disorder. Also called: CAD-related condition.

Allele frequency attached by ClinVar (database versions not stated): gnomAD 0.00006; gnomAD exomes 0.00006 and 0.00011; TOPMed 0.00006; ESP Exome Variant Server 0.00008; ExAC 0.00015.
gnomAD v4.1: 94 of 1,613,944 alleles (0.0058%); highest among the groups gnomAD compares: Non-Finnish European, 0.0071%; no homozygotes.

Submissions (2):

Labcorp Genetics (formerly Invitae), Labcorp
Classification: Uncertain significance. Last evaluated: 2022-07-10. Review status: criteria provided, single submitter. Criteria: Invitae Variant Classification Sherloc (09022015). Collection method: clinical testing. Allele origin: germline.
Comment: This sequence change replaces glycine, which is neutral and non-polar, with serine, which is neutral and polar, at codon 1290 of the CAD protein (p.Gly1290Ser). This variant is present in population databases (rs376049827, gnomAD 0.02%). This variant has not been reported in the literature in individuals affected with CAD-related conditions. ClinVar contains an entry for this variant (Variation ID: 1439171). Algorithms developed to predict the effect of missense changes on protein structure and function (SIFT, PolyPhen-2, Align-GVGD) all suggest that this variant is likely to be tolerated. In summary, the available evidence is currently insufficient to determine the role of this variant in disease. Therefore, it has been classified as a Variant of Uncertain Significance.

PreventionGenetics, part of Exact Sciences
Classification: Uncertain significance for CAD-related condition. Last evaluated: 2024-04-03. Review status: no assertion criteria provided. Collection method: clinical testing. Allele origin: germline. Not counted in ClinVar's aggregate classification.
Comment: The CAD c.3868G>A variant is predicted to result in the amino acid substitution p.Gly1290Ser. To our knowledge, this variant has not been reported in the literature. This variant is reported in 0.021% of alleles in individuals of European (Non-Finnish) descent in gnomAD. At this time, the clinical significance of this variant is uncertain due to the absence of conclusive functional and genetic evidence.